The following is an entry in ClinVar:

NM_001365951.3(KIF1B):c.2365T>G (p.Phe789Val)

Gene: KIF1B (kinesin family member 1B; plus strand). Cytogenetic location: 1p36.22.
Variant type: single nucleotide variant.
Coding change: c.2365T>G on transcript NM_001365951.3 (MANE Select); coding-DNA position 2365, T replaced by G.
Protein change: p.Phe789Val; replaces phenylalanine 789 with valine.
Molecular consequence: missense variant.
Genome position (GRCh38, 1-based): chr1:10,323,890, T>G. VCF-style: chr1-10323890-T-G. GRCh37 (hg19) VCF-style: chr1-10383948-T-G.
Other names: c.2365T>G, p.Phe789Val (NM_001365952.1); c.2227T>G, p.Phe743Val (NM_015074.3); short protein forms F743V, F789V.
Identifiers: ClinVar variation 4858877 (VCV004858877.1).

ClinVar aggregate classification (germline): Uncertain significance (1 of 4 stars; one submission).

Submission:

Ambry Genetics
Classification: Uncertain significance. Last evaluated: 2026-05-28. Review status: criteria provided, single submitter. Criteria: Ambry Variant Classification Scheme 2023. Collection method: clinical testing. Allele origin: germline.
Comment: The p.F743V variant (also known as c.2227T>G), located in coding exon 22 of the KIF1B gene, results from a T to G substitution at nucleotide position 2227. The phenylalanine at codon 743 is replaced by valine, an amino acid with highly similar properties. This amino acid position is conserved. In addition, this alteration is predicted to be deleterious by in silico analysis. Based on the available evidence, the clinical significance of this variant remains unclear.